The following is an entry in ClinVar:

NM_000492.3(CFTR):c.-551T>G

Genes: CFTR (CF transmembrane conductance regulator; plus strand), LOC111674463 (CFTR promoter region; plus strand). Cytogenetic location: 7q31.2.
Variant type: single nucleotide variant.
Coding change: c.-551T>G on transcript NM_000492.3; 551 bases upstream of the start codon, T replaced by G.
Genome position (GRCh38, 1-based): chr7:117,479,544, T>G. VCF-style: chr7-117479544-T-G. GRCh37 (hg19) VCF-style: chr7-117119598-T-G.
Identifiers: ClinVar variation 3076100 (VCV003076100.1), dbSNP rs1797957104, ClinGen allele CA2825001512.
Genomic context (GRCh38, chr7:117,479,544, plus strand): 5'-AAAAGGAGGAGGAGGAGGAAGGCAGGCTCCGGGGAAGCTGGTGGCAGCGGGTCCTGGGTC[T>G]GGCGGACCCTGACGCGAAGGAGGGTCTAGGAAGCTCTCCGGGGAGCCGGTTCTCCCGCCG-3'

ClinVar aggregate classification (germline): Uncertain significance (1 of 4 stars; one submission).

Conditions:
Cystic fibrosis (CF). Also called: MUCOVISCIDOSIS. Identifiers: Orphanet 586, MedGen C0010674, MONDO:0009061, OMIM 219700. Disease mechanism: loss of function.

Submission:

Ambry Genetics
Classification: Uncertain significance for Cystic fibrosis. Last evaluated: 2015-03-31. Review status: criteria provided, single submitter. Criteria: Ambry Variant Classification Scheme 2023. Collection method: clinical testing. Allele origin: germline.
Comment: The c.-551T>G alteration is located in the 5' untranslated region (5'UTR) of the CFTR gene. This alteration consists of a T to G substitution nucleotides upstream from the first translated codon. Based on insufficient or conflicting evidence, the clinical significance of this alteration remains unclear.